The following is an entry in ClinVar:

ClinVar aggregate classification (germline): Uncertain significance. Review status: criteria provided, multiple submitters, no conflicts (2 of 4 stars). 2 submissions from 2 submitters: Uncertain significance (2). Last evaluated 2024-09-17.

Allele frequency attached by ClinVar (database versions not stated): gnomAD exomes 0.00004; ExAC 0.00017; ESP Exome Variant Server 0.00023; gnomAD 0.00036; TOPMed 0.00038; 1000 Genomes Project 0.00100; 1000 Genomes Project 30x 0.00109.
gnomAD v4.1: 117 of 1,613,248 alleles (0.0073%); highest among the groups gnomAD compares: African/African-American, 0.083%; no homozygotes.

Submissions (2):

Blueprint Genetics
Classification: Uncertain significance. Last evaluated: 2024-09-17. Review status: criteria provided, single submitter. Criteria: ACMG Guidelines, 2015. Collection method: clinical testing. Allele origin: germline.

Labcorp Genetics (formerly Invitae), Labcorp
Classification: Uncertain significance. Last evaluated: 2022-11-03. Review status: criteria provided, single submitter. Criteria: Invitae Variant Classification Sherloc (09022015). Collection method: clinical testing. Allele origin: germline.
Comment: This sequence change replaces phenylalanine, which is neutral and non-polar, with leucine, which is neutral and non-polar, at codon 477 of the EYS protein (p.Phe477Leu). This variant is present in population databases (rs190219726, gnomAD 0.09%). This variant has not been reported in the literature in individuals affected with EYS-related conditions. Algorithms developed to predict the effect of missense changes on protein structure and function output the following: SIFT: "Tolerated"; PolyPhen-2: "Benign"; Align-GVGD: "Class C0". The leucine amino acid residue is found in multiple mammalian species, which suggests that this missense change does not adversely affect protein function. In summary, the available evidence is currently insufficient to determine the role of this variant in disease. Therefore, it has been classified as a Variant of Uncertain Significance.

NM_001142800.2(EYS):c.1429T>C (p.Phe477Leu)

Gene: EYS (EGF-like photoreceptor maintenance factor; minus strand). Cytogenetic location: 6q12.
Variant type: single nucleotide variant.
Coding change: c.1429T>C on transcript NM_001142800.2 (MANE Select); coding-DNA position 1429, T replaced by C.
Protein change: p.Phe477Leu; replaces phenylalanine 477 with leucine.
Molecular consequence: missense variant.
Genome position (GRCh38, 1-based): chr6:65,353,488, A>G on the plus strand (T>C on the coding strand, the complement: EYS is on the minus strand). VCF-style: chr6-65353488-A-G. GRCh37 (hg19) VCF-style: chr6-66063381-A-G.
Other names: c.1429T>C, p.Phe477Leu (NM_001142801.2, NM_001292009.2, NM_198283.2); short protein forms F477L.
Identifiers: ClinVar variation 2072631 (VCV002072631.2), dbSNP rs190219726, ClinGen allele CA3877760.